The following is an entry in ClinVar:

ClinVar aggregate classification (germline): Uncertain significance. Review status: criteria provided, multiple submitters, no conflicts (2 of 4 stars). 3 submissions from 3 submitters: Uncertain significance (3). Last evaluated 2023-12-06.

Conditions:
Cardiovascular phenotype. Identifiers: MedGen CN230736.
Hypertrophic cardiomyopathy. Also called: HYPERTROPHIC MYOCARDIOPATHY. Identifiers: Orphanet 217569, MedGen C0007194, MeSH D002312, MONDO:0005045, HP:0001639.

Allele frequency attached by ClinVar (database versions not stated): ExAC 0.00002; gnomAD 0.00002; TOPMed 0.00002.
gnomAD v4.1: 3 of 1,614,140 alleles (0.00019%); highest among the groups gnomAD compares: African/African-American, 0.004%; no homozygotes.

Submissions (3):

Labcorp Genetics (formerly Invitae), Labcorp
Classification: Uncertain significance for Hypertrophic cardiomyopathy. Last evaluated: 2023-12-06. Review status: criteria provided, single submitter. Criteria: Invitae Variant Classification Sherloc (09022015). Collection method: clinical testing. Allele origin: germline.
Comment: This sequence change replaces glutamic acid, which is acidic and polar, with aspartic acid, which is acidic and polar, at codon 929 of the MYH7 protein (p.Glu929Asp). This variant is present in population databases (rs752659706, gnomAD 0.01%). This variant has not been reported in the literature in individuals affected with MYH7-related conditions. ClinVar contains an entry for this variant (Variation ID: 1795994). Advanced modeling of protein sequence and biophysical properties (such as structural, functional, and spatial information, amino acid conservation, physicochemical variation, residue mobility, and thermodynamic stability) performed at Invitae indicates that this missense variant is expected to disrupt MYH7 protein function with a positive predictive value of 95%. In summary, the available evidence is currently insufficient to determine the role of this variant in disease. Therefore, it has been classified as a Variant of Uncertain Significance.

GeneDx
Classification: Uncertain significance. Last evaluated: 2023-06-30. Review status: criteria provided, single submitter. Criteria: GeneDx Variant Classification Process June 2021. Collection method: clinical testing. Allele origin: germline. Affected: yes.
Comment: Has not been previously published as pathogenic or benign to our knowledge; Not observed at significant frequency in large population cohorts (gnomAD); In silico analysis supports that this missense variant has a deleterious effect on protein structure/function; This variant is associated with the following publications: (PMID: 29300372, 27532257)

Ambry Genetics
Classification: Uncertain significance for Cardiovascular phenotype. Last evaluated: 2022-12-30. Review status: criteria provided, single submitter. Criteria: Ambry Variant Classification Scheme 2023. Collection method: clinical testing. Allele origin: germline.
Comment: The p.E929D variant (also known as c.2787G>C), located in coding exon 21 of the MYH7 gene, results from a G to C substitution at nucleotide position 2787. The glutamic acid at codon 929 is replaced by aspartic acid, an amino acid with highly similar properties. This variant has been reported in the Jackson Heart Study cohort; however, clinical details were limited (Bick AG et al. Am J Hum Genet, 2012 Sep;91:513-9). This alteration is located in the myosin head domain, which contains a statistically significant clustering of pathogenic missense variants (Homburger JR et al. Proc Natl Acad Sci U S A, 2016 06;113:6701-6; Walsh R et al. Genet Med, 2017 02;19:192-203; Ambry internal data). Another alteration affecting the same amino acid, p.E929K (c.2785G>A), has been reported in association with hypertrophic cardiomyopathy (HCM) (Walsh R et al. Genet. Med., 2017 02;19:192-203). This amino acid position is highly conserved in available vertebrate species. In addition, the in silico prediction for this alteration is inconclusive. Since supporting evidence is limited at this time, the clinical significance of this alteration remains unclear.

Literature cited by the submitters: PubMed 22958901 (cited by Ambry Genetics); PubMed 27532257 (cited by Ambry Genetics).

NM_000257.4(MYH7):c.2787G>C (p.Glu929Asp)

Gene: MYH7 (myosin heavy chain 7; minus strand). Cytogenetic location: 14q11.2.
Variant type: single nucleotide variant.
Coding change: c.2787G>C on transcript NM_000257.4 (MANE Select); coding-DNA position 2787, G replaced by C.
Protein change: p.Glu929Asp; replaces glutamic acid 929 with aspartic acid.
Molecular consequence: missense variant.
Genome position (GRCh38, 1-based): chr14:23,424,042, C>G on the plus strand (G>C on the coding strand, the complement: MYH7 is on the minus strand). VCF-style: chr14-23424042-C-G. GRCh37 (hg19) VCF-style: chr14-23893251-C-G.
Other names: c.2787G>C, p.Glu929Asp (NM_001407004.1); short protein forms E929D.
Identifiers: ClinVar variation 1795994 (VCV001795994.7), dbSNP rs752659706, ClinGen allele CA034324.